The following is an entry in ClinVar:

NM_030665.4(RAI1):c.392C>T (p.Pro131Leu)

Gene: RAI1 (retinoic acid induced 1; plus strand). Cytogenetic location: 17p11.2.
Variant type: single nucleotide variant.
Coding change: c.392C>T on transcript NM_030665.4 (MANE Select); coding-DNA position 392, C replaced by T.
Protein change: p.Pro131Leu; replaces proline 131 with leucine.
Molecular consequence: missense variant.
Genome position (GRCh38, 1-based): chr17:17,793,340, C>T. VCF-style: chr17-17793340-C-T. GRCh37 (hg19) VCF-style: chr17-17696654-C-T.
Other names: c.392C>T (NM_030665.3); short protein forms P131L.
Identifiers: ClinVar variation 1360764 (VCV001360764.8), dbSNP rs398124418, ClinGen allele CA8418114.

ClinVar aggregate classification (germline): Likely benign. Review status: criteria provided, multiple submitters, no conflicts (2 of 4 stars). 3 submissions from 3 submitters: Likely benign (2). 1 of the submissions does not count toward it. Last evaluated 2026-01-19.

Conditions:
RAI1-related disorder. Also called: RAI1-related condition.
Inborn genetic diseases. Identifiers: MedGen C0950123, MeSH D030342.

Allele frequency attached by ClinVar (database versions not stated): TOPMed below 0.00001; gnomAD 0.00001; ExAC 0.00002; gnomAD exomes 0.00002 and 0.00003.
gnomAD v4.1: 27 of 1,612,652 alleles (0.0017%); highest among the groups gnomAD compares: East Asian, 0.0045%; no homozygotes.

Submissions (3):

Labcorp Genetics (formerly Invitae), Labcorp
Classification: Likely benign. Last evaluated: 2026-01-19. Review status: criteria provided, single submitter. Criteria: Invitae Variant Classification Sherloc (09022015). Collection method: clinical testing. Allele origin: germline.

Ambry Genetics
Classification: Likely benign for Inborn genetic diseases. Last evaluated: 2024-06-30. Review status: criteria provided, single submitter. Criteria: Ambry Variant Classification Scheme 2023. Collection method: clinical testing. Allele origin: germline.

PreventionGenetics, part of Exact Sciences
Classification: Likely benign for RAI1-related condition. Last evaluated: 2024-05-04. Review status: no assertion criteria provided. Collection method: clinical testing. Allele origin: germline. Not counted in ClinVar's aggregate classification.
Comment: This variant is classified as likely benign based on ACMG/AMP sequence variant interpretation guidelines (Richards et al. 2015 PMID: 25741868, with internal and published modifications).